The following is an entry in ClinVar:

NM_022841.7(RFX7):c.2552C>T (p.Ser851Phe)

Gene: RFX7 (regulatory factor X7; minus strand). Cytogenetic location: 15q21.3.
Variant type: single nucleotide variant.
Coding change: c.2552C>T on transcript NM_022841.7 (MANE Select); coding-DNA position 2552, C replaced by T.
Protein change: p.Ser851Phe; replaces serine 851 with phenylalanine.
Molecular consequence: missense variant.
Genome position (GRCh38, 1-based): chr15:56,095,176, G>A on the plus strand (C>T on the coding strand, the complement: RFX7 is on the minus strand). VCF-style: chr15-56095176-G-A. GRCh37 (hg19) VCF-style: chr15-56387374-G-A.
Other names: c.2261C>T, p.Ser754Phe (NM_001368073.2, NM_001368074.1, NM_001370554.1); c.2552C>T, p.Ser851Phe (NM_001370561.1); short protein forms S754F, S851F.
Identifiers: ClinVar variation 4853338 (VCV004853338.1).
Genomic context (GRCh38, chr15:56,095,176, plus strand): 5'-GTCTGGGAAACAGAAGGCTCAAACTCCTTCAGTTCAGATTGCAGAGGTAACTGATCTGAA[G>A]AATGTGCTTGTATTTGATTTAAAGAAGATTCCTGTATCTGGCTATGTAGCTGCTGGCTAT-3'
Protein context (NP_073752.6, residues 841-861): ESSLNQIQAH[Ser851Phe]SDQLPLQSEL

ClinVar aggregate classification (germline): Uncertain significance (1 of 4 stars; one submission).

gnomAD v4.1: 4 of 1,613,966 alleles (0.00025%); highest among the groups gnomAD compares: Non-Finnish European, 0.00034%; no homozygotes.

Submission:

Women's Health and Genetics/Laboratory Corporation of America, LabCorp
Classification: Uncertain significance. Last evaluated: 2026-05-28. Review status: criteria provided, single submitter. Criteria: LabCorp Variant Classification Summary - May 2015. Collection method: clinical testing. Allele origin: germline.
Comment: Variant summary: RFX7 c.2552C>T (p.Ser851Phe) results in a non-conservative amino acid change in the encoded protein sequence. Algorithms developed to predict the effect of missense changes on protein structure and function are either unavailable or do not agree on the potential impact of this missense change. The variant was absent in 248844 control chromosomes. The available data on variant occurrences in the general population are insufficient to allow any conclusion about variant significance. To our knowledge, no occurrence of c.2552C>T in individuals affected with RFX7-related conditions and no experimental evidence demonstrating its impact on protein function have been reported. No submitters have cited clinical-significance assessments for this variant to ClinVar. Based on the evidence outlined above, the variant was classified as uncertain significance.